The following is an entry in ClinVar:

ClinVar aggregate classification (germline): Likely benign (1 of 4 stars; one submission).

Submission:

CeGaT Center for Human Genetics Tuebingen
Classification: Likely benign. Last evaluated: 2023-08-01. Review status: criteria provided, single submitter. Criteria: CeGaT Center For Human Genetics Tuebingen Variant Classification Criteria Version 2. Collection method: clinical testing. Allele origin: germline. Affected: yes. Observed: 1 variant allele.
Comment: GXYLT1: BP4, BP7

NM_173601.2(GXYLT1):c.180C>T (p.Ala60=)

Genes: GXYLT1 (glucoside xylosyltransferase 1; minus strand), LOC130007692 (ATAC-STARR-seq lymphoblastoid silent region 4357; plus strand). Cytogenetic location: 12q12.
Variant type: single nucleotide variant.
Coding change: c.180C>T on transcript NM_173601.2 (MANE Select); coding-DNA position 180, C replaced by T.
Protein change: p.Ala60=; no amino-acid change (alanine 60 retained).
Molecular consequence: synonymous variant.
Genome position (GRCh38, 1-based): chr12:42,144,467, G>A on the plus strand (C>T on the coding strand, the complement: GXYLT1 is on the minus strand). VCF-style: chr12-42144467-G-A. GRCh37 (hg19) VCF-style: chr12-42538269-G-A.
Other names: c.180C>T, p.Ala60= (NM_001099650.2).
Identifiers: ClinVar variation 2642890 (VCV002642890.24), dbSNP rs962548642, ClinGen allele CA235464845.